The following is an entry in ClinVar:

ClinVar aggregate classification (germline): Uncertain significance. Review status: criteria provided, multiple submitters, no conflicts (2 of 4 stars). 2 submissions from 2 submitters: Uncertain significance (2). Last evaluated 2026-02-25.

Allele frequency attached by ClinVar (database versions not stated): gnomAD exomes below 0.00001.
gnomAD v4.1: 1 of 1,610,936 alleles (0.000062%); highest among the groups gnomAD compares: South Asian, 0.0011%; no homozygotes.

Submissions (2):

GeneDx
Classification: Uncertain significance. Last evaluated: 2026-02-25. Review status: criteria provided, single submitter. Criteria: GeneDx Variant Classification Process June 2021. Collection method: clinical testing. Allele origin: germline.
Comment: Not observed at significant frequency in large population cohorts (gnomAD); In silico analysis suggests that this missense variant does not alter protein structure/function; Has not been previously published as pathogenic or benign to our knowledge

Labcorp Genetics (formerly Invitae), Labcorp
Classification: Uncertain significance. Last evaluated: 2025-06-12. Review status: criteria provided, single submitter. Criteria: Invitae Variant Classification Sherloc (09022015). Collection method: clinical testing. Allele origin: germline.
Comment: This sequence change replaces serine, which is neutral and polar, with leucine, which is neutral and non-polar, at codon 113 of the TBX18 protein (p.Ser113Leu). This variant is not present in population databases (gnomAD no frequency). This variant has not been reported in the literature in individuals affected with TBX18-related conditions. ClinVar contains an entry for this variant (Variation ID: 2844605). An algorithm developed to predict the effect of missense changes on protein structure and function (PolyPhen-2) suggests that this variant is likely to be disruptive. In summary, the available evidence is currently insufficient to determine the role of this variant in disease. Therefore, it has been classified as a Variant of Uncertain Significance.

NM_001080508.3(TBX18):c.338C>T (p.Ser113Leu)

Gene: TBX18 (T-box transcription factor 18; minus strand). Cytogenetic location: 6q14.3.
Variant type: single nucleotide variant.
Coding change: c.338C>T on transcript NM_001080508.3 (MANE Select); coding-DNA position 338, C replaced by T.
Protein change: p.Ser113Leu; replaces serine 113 with leucine.
Molecular consequence: missense variant.
Genome position (GRCh38, 1-based): chr6:84,762,703, G>A on the plus strand (C>T on the coding strand, the complement: TBX18 is on the minus strand). VCF-style: chr6-84762703-G-A. GRCh37 (hg19) VCF-style: chr6-85472421-G-A.
Other names: c.338C>T (NM_001080508.2); short protein forms S113L.
Identifiers: ClinVar variation 2844605 (VCV002844605.5), dbSNP rs2481868020, ClinGen allele CA364892150.